The following is an entry in ClinVar:

NM_004629.2(FANCG):c.1586A>G (p.Gln529Arg)

Gene: FANCG (FA complementation group G; minus strand). Cytogenetic location: 9p13.3.
Variant type: single nucleotide variant.
Coding change: c.1586A>G on transcript NM_004629.2 (MANE Select); coding-DNA position 1586, A replaced by G.
Protein change: p.Gln529Arg; replaces glutamine 529 with arginine.
Molecular consequence: missense variant.
Genome position (GRCh38, 1-based): chr9:35,074,977, T>C on the plus strand (A>G on the coding strand, the complement: FANCG is on the minus strand). VCF-style: chr9-35074977-T-C. GRCh37 (hg19) VCF-style: chr9-35074974-T-C.
Other names: short protein forms Q529R.
Identifiers: ClinVar variation 2038189 (VCV002038189.1), dbSNP rs1416054222, ClinGen allele CA373303846.
Genomic context (GRCh38, chr9:35,074,977, plus strand): 5'-GTATACATACCTGGGCACATCTGCACACTGAGGAGGAAGTCCTGTAAGGCTTTGGTATCC[T>C]GGCCGCTGGCTACCCATTCCAGTCCACGACTAATTAGGGCGGCTGCCCGAAGCTGCTGCA-3'
Protein context (NP_004620.1, residues 519-539): SRGLEWVASG[Gln529Arg]DTKALQDFLL

ClinVar aggregate classification (germline): Uncertain significance (1 of 4 stars; one submission).

Conditions:
Fanconi anemia (FA). Also called: Fanconi's anemia. Identifiers: Orphanet 84, MedGen C0015625, MeSH D005199, MONDO:0019391.

Allele frequency attached by ClinVar (database versions not stated): gnomAD exomes 0.00001; TOPMed 0.00001; gnomAD 0.00004.
gnomAD v4.1: 17 of 1,614,108 alleles (0.0011%); highest among the groups gnomAD compares: Non-Finnish European, 0.0014%; no homozygotes.

Submission:

Labcorp Genetics (formerly Invitae), Labcorp
Classification: Uncertain significance for Fanconi anemia. Last evaluated: 2021-08-27. Review status: criteria provided, single submitter. Criteria: Invitae Variant Classification Sherloc (09022015). Collection method: clinical testing. Allele origin: germline.
Comment: This sequence change replaces glutamine with arginine at codon 529 of the FANCG protein (p.Gln529Arg). The glutamine residue is moderately conserved and there is a small physicochemical difference between glutamine and arginine. This variant is not present in population databases (ExAC no frequency). This variant has not been reported in the literature in individuals affected with FANCG-related conditions. Algorithms developed to predict the effect of missense changes on protein structure and function output the following: SIFT: "Tolerated"; PolyPhen-2: "Benign"; Align-GVGD: "Class C0". The arginine amino acid residue is found in multiple mammalian species, which suggests that this missense change does not adversely affect protein function. In summary, the available evidence is currently insufficient to determine the role of this variant in disease. Therefore, it has been classified as a Variant of Uncertain Significance.